The following is an entry in ClinVar:

ClinVar aggregate classification (germline): Uncertain significance (1 of 4 stars; one submission).

Submission:

Medical Genetic Center, Changzhi Maternal and Child Health Care Hospital
Classification: Uncertain significance. Last evaluated: 2025-12-10. Review status: criteria provided, single submitter. Criteria: ACMG/ClinGen CNV Guidelines, 2019. Collection method: clinical testing. Allele origin: unknown.

GRCh38/hg38 5q11.2(chr5:53017734-53135224)x1

Genes: ITGA2 (integrin subunit alpha 2; plus strand), MOCS2 (molybdenum cofactor synthesis 2; minus strand), MOCS2-DT (MOCS2 divergent transcript; plus strand), LOC116158515 (CRISPRi-validated cis-regulatory element chr5.1275; plus strand), LOC116158516 (CRISPRi-validated cis-regulatory element chr5.1276; plus strand) and 2 more. Cytogenetic location: 5q11.2.
Variant type: copy number loss.
Change: copy number 1 (one copy instead of two) of chr5:53,017,734-53,135,224 (117.5 kb, GRCh38 coordinates, 1-based), cytogenetic band 5q11.2.
Identifiers: ClinVar variation 4796398 (VCV004796398.1).